The following is an entry in ClinVar:

NM_000283.4(PDE6B):c.928-9_940dup

Genes: PDE6B (phosphodiesterase 6B; plus strand), PDE6B-AS1 (PDE6B antisense RNA 1; minus strand). Cytogenetic location: 4p16.3.
Variant type: Duplication.
Coding change: c.928-9_940dup on transcript NM_000283.4 (MANE Select); 9 bases into the intron before coding-DNA position 928 through coding-DNA position 940, 22 bases duplicated (GCTTCTCAGGAAATTGTCTTCT).
Molecular consequence: splice acceptor variant.
Genome position (GRCh38, 1-based): chr4:654,815-654,836, GCTTCTCAGGAAATTGTCTTCT duplicated; duplicating any 22 consecutive bases within chr4:654,807-654,836 gives the same sequence; the c. name uses the placement nearest the transcript's 3' end. VCF-style (leftmost placement, unchanged base first): chr4-654806-G-GTGTCTTCTGCTTCTCAGGAAAT. GRCh37 (hg19) VCF-style: chr4-648595-G-GTGTCTTCTGCTTCTCAGGAAAT.
Other names: c.928-9_940dup22 (NM_000283.3); c.928-9_940dup (NM_001145291.2); c.91-9_103dup (NM_001379246.1, NM_001379247.1, NM_001145292.2 and 1 more transcripts); c.-113-9_-101dup (NM_001350155.3).
Identifiers: ClinVar variation 496922 (VCV000496922.60), dbSNP rs539992414, ClinGen allele CA2794227.

ClinVar aggregate classification (germline): Benign/Likely benign. Review status: criteria provided, multiple submitters, no conflicts (2 of 4 stars). 8 submissions from 8 submitters: Benign (4); Likely benign (3). 1 of the submissions does not count toward it. Last evaluated 2026-02-02.

Conditions:
Retinitis pigmentosa (RP). Identifiers: Orphanet 791, MedGen C0035334, MeSH D012174, MONDO:0019200, OMIM 268000. Inheritance: Autosomal dominant, autosomal recessive and X linked inheritance.
PDE6B-related disorder. Also called: PDE6B-related disorders; PDE6B-related disease; PDE6B-related condition.
Retinal dystrophy. Also called: Inherited retinal dystrophy. Identifiers: Orphanet 71862, MedGen C0854723, MeSH D058499, MONDO:0019118, HP:0000556.

Submissions (8):

Labcorp Genetics (formerly Invitae), Labcorp
Classification: Benign. Last evaluated: 2026-02-02. Review status: criteria provided, single submitter. Criteria: Invitae Variant Classification Sherloc (09022015). Collection method: clinical testing. Allele origin: germline.

PreventionGenetics, part of Exact Sciences
Classification: Benign for PDE6B-related condition. Last evaluated: 2026-01-14. Review status: criteria provided, single submitter. Criteria: ACMG Guidelines, 2015. Collection method: clinical testing. Allele origin: germline.
Comment: This variant is classified as benign based on ACMG/AMP sequence variant interpretation guidelines (Richards et al. 2015 PMID: 25741868, with internal and published modifications).

CeGaT Center for Human Genetics Tuebingen
Classification: Likely benign. Last evaluated: 2025-01-01. Review status: criteria provided, single submitter. Criteria: CeGaT Center For Human Genetics Tuebingen Variant Classification Criteria Version 2. Collection method: clinical testing. Allele origin: germline. Affected: yes. Observed: 6 variant alleles.
Comment: PDE6B: BS2; PDE6B-AS1: BS2

Blueprint Genetics
Classification: Likely benign. Last evaluated: 2024-11-25. Review status: criteria provided, single submitter. Criteria: ACMG Guidelines, 2015. Collection method: clinical testing. Allele origin: germline.

GeneDx
Classification: Benign. Last evaluated: 2020-10-23. Review status: criteria provided, single submitter. Criteria: GeneDx Variant Classification Process June 2021. Collection method: clinical testing. Allele origin: germline. Affected: yes.

Molecular Genetics Laboratory, Institute for Ophthalmic Research
Classification: Benign for Retinitis pigmentosa. Last evaluated: 2020-01-09. Review status: criteria provided, single submitter. Criteria: ACMG Guidelines, 2015. Collection method: research. Allele origin: germline. Affected: yes.
Comment: The variant is observed homozygously in gnomAD and allele frequency is too high in the newer versions of gnomAD

Eurofins Ntd Llc (ga)
Classification: Likely benign. Last evaluated: 2016-09-30. Review status: criteria provided, single submitter. Criteria: EGL Classification Definitions 2015. Collection method: clinical testing. Allele origin: germline. Observed: 5 variant alleles, 5 heterozygotes.

Institute of Human Genetics, Univ. Regensburg, Univ. Regensburg
Classification: Uncertain significance for Retinal dystrophy. Last evaluated: 2023-01-01. Review status: no assertion criteria provided. Criteria: ACMG Guidelines, 2015. Collection method: clinical testing. Allele origin: germline. Affected: yes. Not counted in ClinVar's aggregate classification.